The following is an entry in ClinVar:

ClinVar aggregate classification (germline): Uncertain significance (1 of 4 stars; one submission).

Conditions:
Familial intrahepatic cholestasis. Identifiers: Orphanet 284385, MedGen CN296401, MONDO:0017290.

gnomAD v4.1: 1 of 1,613,376 alleles (0.000062%); highest among the groups gnomAD compares: Middle Eastern, 0.016%; no homozygotes.

Submission:

Genomenon, Inc
Classification: Uncertain significance for Familial intrahepatic cholestasis. Last evaluated: 2026-04-14. Review status: criteria provided, single submitter. Criteria: Genomenon Sequence Variant Interpretation Standards - Updated. Collection method: curation. Allele origin: germline. Affected: no.
Comment: ATP8B1 p.Ile809Leu (c.2425A>C) is a missense variant that changes the amino acid at residue 809 from Isoleucine to Leucine. This variant has been reported in the published literature (PMID:34828443). It is absent or not present at a significant frequency in gnomAD. In silico models predict that this variant is not damaging. In conclusion, we classify ATP8B1 p.Ile809Leu (c.2425A>C) as a variant of uncertain significance.

Literature cited by the submitters: PubMed 34828443.

NM_001374385.1(ATP8B1):c.2425A>C (p.Ile809Leu)

Genes: ATP8B1 (ATPase phospholipid transporting 8B1; minus strand), ATP8B1-AS1 (ATP8B1 antisense RNA 1; plus strand). Cytogenetic location: 18q21.31.
Variant type: single nucleotide variant.
Coding change: c.2425A>C on transcript NM_001374385.1 (MANE Select); coding-DNA position 2425, A replaced by C.
Protein change: p.Ile809Leu; replaces isoleucine 809 with leucine.
Molecular consequence: missense variant.
Genome position (GRCh38, 1-based): chr18:57,661,456, T>G on the plus strand (A>C on the coding strand, the complement: ATP8B1 is on the minus strand). VCF-style: chr18-57661456-T-G. GRCh37 (hg19) VCF-style: chr18-55328688-T-G.
Other names: c.2275A>C, p.Ile759Leu (NM_001374386.1); c.2425A>C, p.Ile809Leu (NM_005603.6); short protein forms I759L, I809L.
Identifiers: ClinVar variation 4846235 (VCV004846235.1).